The following is an entry in ClinVar:

NM_000188.3(HK1):c.1573A>G (p.Asn525Asp)

Gene: HK1 (hexokinase 1; plus strand). Cytogenetic location: 10q22.1.
Variant type: single nucleotide variant.
Coding change: c.1573A>G on transcript NM_000188.3 (MANE Select); coding-DNA position 1573, A replaced by G.
Protein change: p.Asn525Asp; replaces asparagine 525 with aspartic acid.
Molecular consequence: missense variant.
Genome position (GRCh38, 1-based): chr10:69,384,335, A>G. VCF-style: chr10-69384335-A-G. GRCh37 (hg19) VCF-style: chr10-71144091-A-G.
Other names: c.1585A>G, p.Asn529Asp (NM_001322364.2, NM_001358263.1, NM_033497.3 and 1 more transcripts); c.1678A>G, p.Asn560Asp (NM_001322365.2); c.1489A>G, p.Asn497Asp (NM_001322366.1); c.1477A>G, p.Asn493Asp (NM_001322367.1); c.1570A>G, p.Asn524Asp (NM_033496.3); c.1537A>G, p.Asn513Asp (NM_033500.2); short protein forms N497D, N529D, N493D, N524D, N560D, N513D, N525D.
Identifiers: ClinVar variation 2834662 (VCV002834662.3), dbSNP rs2540429344, ClinGen allele CA376910838.

ClinVar aggregate classification (germline): Uncertain significance (1 of 4 stars; one submission).

Submission:

Labcorp Genetics (formerly Invitae), Labcorp
Classification: Uncertain significance. Last evaluated: 2023-12-06. Review status: criteria provided, single submitter. Criteria: Invitae Variant Classification Sherloc (09022015). Collection method: clinical testing. Allele origin: germline.
Comment: This sequence change replaces asparagine, which is neutral and polar, with aspartic acid, which is acidic and polar, at codon 525 of the HK1 protein (p.Asn525Asp). This variant is not present in population databases (gnomAD no frequency). This variant has not been reported in the literature in individuals affected with HK1-related conditions. An algorithm developed to predict the effect of missense changes on protein structure and function (PolyPhen-2) suggests that this variant is likely to be tolerated. In summary, the available evidence is currently insufficient to determine the role of this variant in disease. Therefore, it has been classified as a Variant of Uncertain Significance.